The following is an entry in ClinVar:

NM_018341.3(ERMARD):c.1099C>T (p.Arg367Cys)

Gene: ERMARD (ER membrane associated RNA degradation; plus strand). Cytogenetic location: 6q27.
Variant type: single nucleotide variant.
Coding change: c.1099C>T on transcript NM_018341.3 (MANE Select); coding-DNA position 1099, C replaced by T.
Protein change: p.Arg367Cys; replaces arginine 367 with cysteine.
Molecular consequence: missense variant.
Genome position (GRCh38, 1-based): chr6:169,769,579, C>T. VCF-style: chr6-169769579-C-T. GRCh37 (hg19) VCF-style: chr6-170169675-C-T.
Other names: c.1099C>T, p.Arg367Cys (NM_001278531.2, NM_001278533.2); c.721C>T, p.Arg241Cys (NM_001278532.2); c.691C>T, p.Arg231Cys (NM_001410957.1); c.1099C>T (NM_018341.1); short protein forms R231C, R241C, R367C.
Identifiers: ClinVar variation 3049949 (VCV003049949.3), dbSNP rs765837818, ClinGen allele CA4106126.

ClinVar aggregate classification (germline): Uncertain significance. Review status: criteria provided, single submitter (1 of 4 stars). 2 submissions from 2 submitters: Uncertain significance (1). 1 of the submissions does not count toward it. Last evaluated 2024-03-07.

Conditions:
ERMARD-related disorder. Also called: ERMARD-related condition.

Allele frequency attached by ClinVar (database versions not stated): gnomAD 0.00001; TOPMed 0.00002; ExAC 0.00003.

Submissions (2):

Ambry Genetics
Classification: Uncertain significance. Last evaluated: 2024-03-07. Review status: criteria provided, single submitter. Criteria: Ambry Variant Classification Scheme 2023. Collection method: clinical testing. Allele origin: germline.

PreventionGenetics, part of Exact Sciences
Classification: Uncertain significance for ERMARD-related condition. Last evaluated: 2024-02-13. Review status: no assertion criteria provided. Collection method: clinical testing. Allele origin: germline. Not counted in ClinVar's aggregate classification.
Comment: The ERMARD c.1099C>T variant is predicted to result in the amino acid substitution p.Arg367Cys. To our knowledge, this variant has not been reported in the literature. This variant is reported in 0.0055% of alleles in individuals of East Asian descent in gnomAD. At this time, the clinical significance of this variant is uncertain due to the absence of conclusive functional and genetic evidence.